The following is an entry in ClinVar:

ClinVar aggregate classification (germline): Uncertain significance (1 of 4 stars; one submission).

gnomAD v4.1: 12 of 1,209,605 alleles (0.00099%); highest among the groups gnomAD compares: African/African-American, 0.021%; no homozygotes.

Submission:

Labcorp Genetics (formerly Invitae), Labcorp
Classification: Uncertain significance. Last evaluated: 2025-11-10. Review status: criteria provided, single submitter. Criteria: Invitae Variant Classification Sherloc (09022015). Collection method: clinical testing. Allele origin: germline.
Comment: This sequence change replaces valine, which is neutral and non-polar, with methionine, which is neutral and non-polar, at codon 271 of the CHM protein (p.Val271Met). This variant is present in population databases (rs373724118, gnomAD 0.03%). This variant has not been reported in the literature in individuals affected with CHM-related conditions. Invitae Evidence Modeling of protein sequence and biophysical properties (such as structural, functional, and spatial information, amino acid conservation, physicochemical variation, residue mobility, and thermodynamic stability) indicates that this missense variant is not expected to disrupt CHM protein function with a negative predictive value of 80%. In summary, the available evidence is currently insufficient to determine the role of this variant in disease. Therefore, it has been classified as a Variant of Uncertain Significance.

NM_000390.4(CHM):c.811G>A (p.Val271Met)

Gene: CHM (CHM Rab escort protein; minus strand). Cytogenetic location: Xq21.2.
Variant type: single nucleotide variant.
Coding change: c.811G>A on transcript NM_000390.4 (MANE Select); coding-DNA position 811, G replaced by A.
Protein change: p.Val271Met; replaces valine 271 with methionine.
Molecular consequence: missense variant.
Genome position (GRCh38, 1-based): chrX:85,958,869, C>T on the plus strand (G>A on the coding strand, the complement: CHM is on the minus strand). VCF-style: chrX-85958869-C-T. GRCh37 (hg19) VCF-style: chrX-85213874-C-T.
Other names: c.367G>A, p.Val123Met (NM_001320959.1, NM_001362517.1, NM_001362518.2 and 1 more transcripts); short protein forms V123M, V271M.
Identifiers: ClinVar variation 4737131 (VCV004737131.1).